The following is an entry in ClinVar:

ClinVar aggregate classification (germline): Pathogenic (1 of 4 stars; one submission).

Conditions:
DYRK1A-related intellectual disability syndrome (MRD7). Also called: Intellectual developmental disorder, autosomal dominant 7; DYRK1A Syndrome. Identifiers: Orphanet 464306, MedGen C5568143, MONDO:0013578, OMIM 614104.

Submission:

Labcorp Genetics (formerly Invitae), Labcorp
Classification: Pathogenic for DYRK1A-related intellectual disability syndrome. Last evaluated: 2022-07-05. Review status: criteria provided, single submitter. Criteria: Invitae Variant Classification Sherloc (09022015). Collection method: clinical testing. Allele origin: germline.
Comment: For these reasons, this variant has been classified as Pathogenic. Advanced modeling of protein sequence and biophysical properties (such as structural, functional, and spatial information, amino acid conservation, physicochemical variation, residue mobility, and thermodynamic stability) performed at Invitae indicates that this missense variant is expected to disrupt DYRK1A protein function. ClinVar contains an entry for this variant (Variation ID: 1015236). This missense change has been observed in individual(s) with clinical features of DYRK1A-related conditions (PMID: 32959227). In at least one individual the variant was observed to be de novo. This variant is not present in population databases (gnomAD no frequency). This sequence change replaces aspartic acid, which is acidic and polar, with glycine, which is neutral and non-polar, at codon 287 of the DYRK1A protein (p.Asp287Gly).

Literature cited by the submitters: PubMed 32959227.

NM_001347721.2(DYRK1A):c.833A>G (p.Asp278Gly)

Gene: DYRK1A (dual specificity tyrosine phosphorylation regulated kinase 1A; plus strand). Cytogenetic location: 21q22.13.
Variant type: single nucleotide variant.
Coding change: c.833A>G on transcript NM_001347721.2 (MANE Select); coding-DNA position 833, A replaced by G.
Protein change: p.Asp278Gly; replaces aspartic acid 278 with glycine.
Molecular consequence: missense variant.
Genome position (GRCh38, 1-based): chr21:37,490,370, A>G. VCF-style: chr21-37490370-A-G. GRCh37 (hg19) VCF-style: chr21-38862672-A-G.
Other names: c.833A>G, p.Asp278Gly (NM_001347722.2, NM_130436.2); c.746A>G, p.Asp249Gly (NM_001347723.2); c.860A>G, p.Asp287Gly (NM_001396.5, NM_101395.2, NM_130438.2); short protein forms D249G, D278G, D287G.
Identifiers: ClinVar variation 1015236 (VCV001015236.11), dbSNP rs1555984343, ClinGen allele CA409947720.
Genomic context (GRCh38, chr21:37,490,370, plus strand): 5'-AACAGATGTGCACTGCACTGCTTTTCCTTGCGACTCCAGAACTTAGTATCATTCACTGTG[A>G]TCTAAAACCTGAAAATATCCTTCTTTGTAACCCCAAACGCAGTGCAATCAAGATAGTTGA-3'
Protein context (NP_001334650.1, residues 268-288): ATPELSIIHC[Asp278Gly]LKPENILLCN